The following is an entry in ClinVar:

NM_000243.3(MEFV):c.1255C>T (p.His419Tyr)

Gene: MEFV (MEFV innate immunity regulator, pyrin; minus strand). Cytogenetic location: 16p13.3.
Variant type: single nucleotide variant.
Coding change: c.1255C>T on transcript NM_000243.3 (MANE Select); coding-DNA position 1255, C replaced by T.
Protein change: p.His419Tyr; replaces histidine 419 with tyrosine.
Molecular consequence: missense variant.
Genome position (GRCh38, 1-based): chr16:3,249,436, G>A on the plus strand (C>T on the coding strand, the complement: MEFV is on the minus strand). VCF-style: chr16-3249436-G-A. GRCh37 (hg19) VCF-style: chr16-3299436-G-A.
Other names: c.622C>T, p.His208Tyr (NM_001198536.2); short protein forms H208Y, H419Y.
Identifiers: ClinVar variation 3344536 (VCV003344536.1).

ClinVar aggregate classification (germline): Uncertain significance (0 of 4 stars; one submission).

Conditions:
MEFV-related disorder. Also called: MEFV-related disorders; MEFV-related condition.

Submission:

PreventionGenetics, part of Exact Sciences
Classification: Uncertain significance for MEFV-related condition. Last evaluated: 2024-07-31. Review status: no assertion criteria provided. Collection method: clinical testing. Allele origin: germline.
Comment: The MEFV c.1255C>T variant is predicted to result in the amino acid substitution p.His419Tyr. To our knowledge, this variant has not been reported in the literature or in a large population database, indicating this variant is rare. At this time, the clinical significance of this variant is uncertain due to the absence of conclusive functional and genetic evidence.